The following is an entry in ClinVar:

ClinVar aggregate classification (germline): Benign. Review status: criteria provided, single submitter (1 of 4 stars). 2 submissions from 2 submitters: Benign (1). 1 of the submissions does not count toward it. Last evaluated 2026-01-13.

Conditions:
KMT2D-related disorder. Also called: KMT2D-Related Disorders.
Kabuki syndrome. Also called: Kabuki make-up syndrome; NIIKAWA-KUROKI SYNDROME. Identifiers: Orphanet 2322, MedGen C0796004, MONDO:0016512.

Allele frequency attached by ClinVar (database versions not stated): gnomAD 0.00008; ExAC 0.00004; TOPMed 0.00009; 1000 Genomes Project 30x 0.00031; 1000 Genomes Project 0.00040.
gnomAD v4.1: 28 of 1,613,924 alleles (0.0017%); highest among the groups gnomAD compares: African/African-American, 0.033%; no homozygotes.

Submissions (2):

Labcorp Genetics (formerly Invitae), Labcorp
Classification: Benign for Kabuki syndrome. Last evaluated: 2026-01-13. Review status: criteria provided, single submitter. Criteria: Invitae Variant Classification Sherloc (09022015). Collection method: clinical testing. Allele origin: germline.

PreventionGenetics, part of Exact Sciences
Classification: Likely benign for KMT2D-related condition. Last evaluated: 2021-02-10. Review status: no assertion criteria provided. Collection method: clinical testing. Allele origin: germline. Not counted in ClinVar's aggregate classification.
Comment: This variant is classified as likely benign based on ACMG/AMP sequence variant interpretation guidelines (Richards et al. 2015 PMID: 25741868, with internal and published modifications).

NM_003482.4(KMT2D):c.7992C>A (p.Thr2664=)

Gene: KMT2D (lysine methyltransferase 2D; minus strand). Cytogenetic location: 12q13.12.
Variant type: single nucleotide variant.
Coding change: c.7992C>A on transcript NM_003482.4 (MANE Select); coding-DNA position 7992, C replaced by A.
Protein change: p.Thr2664=; no amino-acid change (threonine 2664 retained).
Molecular consequence: synonymous variant.
Genome position (GRCh38, 1-based): chr12:49,039,778, G>T on the plus strand (C>A on the coding strand, the complement: KMT2D is on the minus strand). VCF-style: chr12-49039778-G-T. GRCh37 (hg19) VCF-style: chr12-49433561-G-T.
Identifiers: ClinVar variation 2103011 (VCV002103011.6), dbSNP rs200422133, ClinGen allele CA6546958.